The following is an entry in ClinVar:

NM_007194.4(CHEK2):c.1461+5G>A

Gene: CHEK2 (checkpoint kinase 2; minus strand). Cytogenetic location: 22q12.1.
Variant type: single nucleotide variant.
Coding change: c.1461+5G>A on transcript NM_007194.4 (MANE Select); 5 bases into the intron after coding-DNA position 1461, G replaced by A.
Molecular consequence: intron variant.
Genome position (GRCh38, 1-based): chr22:28,694,027, C>T on the plus strand (G>A on the coding strand, the complement: CHEK2 is on the minus strand). VCF-style: chr22-28694027-C-T. GRCh37 (hg19) VCF-style: chr22-29090015-C-T.
Other names: c.798+5G>A (NM_001437942.1, NM_001257387.3); c.1260+5G>A (NM_001349956.3); c.1374+5G>A (NM_145862.3); c.1467+5G>A (NM_001438295.1); c.1554+5G>A (NM_001438293.1); c.1503+5G>A (NM_001438294.1); c.1590+5G>A (NM_001005735.3).
Identifiers: ClinVar variation 410011 (VCV000410011.24), dbSNP rs769841229, ClinGen allele CA16616302.

ClinVar aggregate classification (germline): Conflicting classifications of pathogenicity. Review status: criteria provided, conflicting classifications (1 of 4 stars). 7 submissions from 7 submitters: Likely pathogenic (1); Uncertain significance (5). 1 of the submissions does not count toward it. Last evaluated 2025-11-27.

Conditions:
Hereditary cancer-predisposing syndrome. Also called: Tumor predisposition; Hereditary Cancer Syndrome; Hereditary neoplastic syndrome; Neoplastic Syndromes, Hereditary. Identifiers: Orphanet 140162, MedGen C0027672, MeSH D009386, MONDO:0015356.
Familial cancer of breast. Also called: BREAST CANCER, FAMILIAL; Hereditary breast cancer; hereditary breast carcinoma. Identifiers: Orphanet 227535, MedGen C0346153, MONDO:0016419, OMIM 114480. Disease mechanism: loss of function.
CHEK2-related cancer predisposition (TPDS4). Also called: CHEK2-related cancer susceptibility; TUMOR PREDISPOSITION SYNDROME 4; CANCER PREDISPOSITION SYNDROME, CHEK2-RELATED. Identifiers: Orphanet 524, MedGen C5882668, MONDO:0700271, OMIM 609265.

Submissions (7):

Labcorp Genetics (formerly Invitae), Labcorp
Classification: Likely pathogenic for Familial cancer of breast. Last evaluated: 2025-11-27. Review status: criteria provided, single submitter. Criteria: Invitae Variant Classification Sherloc (09022015). Collection method: clinical testing. Allele origin: germline.
Comment: This sequence change falls in intron 13 of the CHEK2 gene. It does not directly change the encoded amino acid sequence of the CHEK2 protein. RNA analysis indicates that this variant induces altered splicing and may result in an absent or altered protein product. This variant is not present in population databases (gnomAD no frequency). This variant has been observed in individual(s) with breast cancer (PMID: 39582020). ClinVar contains an entry for this variant (Variation ID: 410011). Variants that disrupt the consensus splice site are a relatively common cause of aberrant splicing (PMID: 17576681, 9536098). Studies have shown that this variant results in skipping of exon 13, and produces a non-functional protein and/or introduces a premature termination codon (internal data). In summary, the currently available evidence indicates that the variant is pathogenic, but additional data are needed to prove that conclusively. Therefore, this variant has been classified as Likely Pathogenic.

Ambry Genetics
Classification: Uncertain significance for Hereditary cancer-predisposing syndrome. Last evaluated: 2025-08-18. Review status: criteria provided, single submitter. Criteria: Ambry Variant Classification Scheme 2023. Collection method: clinical testing. Allele origin: germline.
Comment: The c.1461+5G>A intronic variant results from a G to A substitution 5 nucleotides after coding exon 12 in the CHEK2 gene. This nucleotide position is highly conserved in available vertebrate species. In silico splice site analysis predicts that this alteration will weaken the native splice donor site; however, direct evidence is insufficient at this time (Ambry internal data). Based on the available evidence, the clinical significance of this variant remains unclear.

Baylor Genetics
Classification: Uncertain significance for Familial cancer of breast. Last evaluated: 2023-11-13. Review status: criteria provided, single submitter. Criteria: ACMG Guidelines, 2015. Collection method: clinical testing. Allele origin: unknown.

MGZ Medical Genetics Center
Classification: Uncertain significance for Familial cancer of breast. Last evaluated: 2022-08-01. Review status: criteria provided, single submitter. Criteria: ACMG Guidelines, 2015. Collection method: clinical testing. Allele origin: germline. Affected: yes. Observed: 1 variant allele.
Comment: ACMG criteria applied: PM2_SUP, PP3

Color Diagnostics, LLC DBA Color Health
Classification: Uncertain significance for Hereditary cancer-predisposing syndrome. Last evaluated: 2019-11-01. Review status: criteria provided, single submitter. Criteria: ACMG Guidelines, 2015. Collection method: clinical testing. Allele origin: germline.
Comment: This variant causes a G>A nucleotide substitution at the +5 position of intron 13 of the CHEK2 gene. Splice site prediction tools suggest that this variant may impact RNA splicing. To our knowledge, functional studies have not been performed for this variant. This variant has not been reported in individuals affected with hereditary cancer in the literature. This variant has not been identified in the general population by the Genome Aggregation Database (gnomAD). The available evidence is insufficient to determine the role of this variant in disease conclusively. Therefore, this variant is classified as a Variant of Uncertain Significance.

Institute of Human Genetics, University of Leipzig Medical Center
Classification: Uncertain significance for Familial cancer of breast. Last evaluated: 2018-08-09. Review status: criteria provided, single submitter. Criteria: ACMG Guidelines, 2015. Collection method: clinical testing. Allele origin: germline. Affected: yes. Observed: 1 variant allele.
Comment: This variant was identified as de novo

Zotz-Klimas Genetics Lab, MVZ Zotz Klimas
Classification: Uncertain significance for CHEK2-related cancer predisposition. Last evaluated: 2023-11-24. Review status: no assertion criteria provided. Collection method: clinical testing. Allele origin: germline. Affected: yes. Not counted in ClinVar's aggregate classification.

Literature cited by the submitters: PubMed 39582020 (cited by Labcorp Genetics (formerly Invitae), Labcorp); PubMed 17576681 (cited by Labcorp Genetics (formerly Invitae), Labcorp); PubMed 9536098 (cited by Labcorp Genetics (formerly Invitae), Labcorp).